The following is an entry in ClinVar:

NM_015335.5(MED13L):c.6329C>T (p.Pro2110Leu)

Gene: MED13L (mediator complex subunit 13L; minus strand). Cytogenetic location: 12q24.21.
Variant type: single nucleotide variant.
Coding change: c.6329C>T on transcript NM_015335.5 (MANE Select); coding-DNA position 6329, C replaced by T.
Protein change: p.Pro2110Leu; replaces proline 2110 with leucine.
Molecular consequence: missense variant.
Genome position (GRCh38, 1-based): chr12:115,966,140, G>A on the plus strand (C>T on the coding strand, the complement: MED13L is on the minus strand). VCF-style: chr12-115966140-G-A. GRCh37 (hg19) VCF-style: chr12-116403945-G-A.
Other names: short protein forms P2110L.
Identifiers: ClinVar variation 2860655 (VCV002860655.3), dbSNP rs2499956209, ClinGen allele CA386874617.
Genomic context (GRCh38, chr12:115,966,140, plus strand): 5'-ACCTTTAAGAAGAGAGGGCACTGGTTTTGAGCCTGGGGACACGATGACCAAAACCACTGG[G>A]GAAGATTCTCAGCTTTGGCAGTTGATACAAAATACCCAAGGGCCAGGGGCTGCTGCTTTA-3'
Protein context (NP_056150.1, residues 2100-2120): FVSTAKAENL[Pro2110Leu]QWFWSSCPQA

ClinVar aggregate classification (germline): Uncertain significance (1 of 4 stars; one submission).

Conditions:
Dextro-looped transposition of the great arteries. Also called: Dextrotransposition of the great arteries. Identifiers: Orphanet 860, MedGen C3531771, MONDO:0019443, OMIM 608808, HP:0031348.

Submission:

Labcorp Genetics (formerly Invitae), Labcorp
Classification: Uncertain significance for Dextro-looped transposition of the great arteries. Last evaluated: 2023-04-29. Review status: criteria provided, single submitter. Criteria: Invitae Variant Classification Sherloc (09022015). Collection method: clinical testing. Allele origin: germline.
Comment: This sequence change replaces proline, which is neutral and non-polar, with leucine, which is neutral and non-polar, at codon 2110 of the MED13L protein (p.Pro2110Leu). This variant is not present in population databases (gnomAD no frequency). This variant has not been reported in the literature in individuals affected with MED13L-related conditions. Advanced modeling of protein sequence and biophysical properties (such as structural, functional, and spatial information, amino acid conservation, physicochemical variation, residue mobility, and thermodynamic stability) performed at Invitae indicates that this missense variant is expected to disrupt MED13L protein function. In summary, the available evidence is currently insufficient to determine the role of this variant in disease. Therefore, it has been classified as a Variant of Uncertain Significance.